The following is an entry in ClinVar:

NM_015021.3(ZNF292):c.4985T>G (p.Val1662Gly)

Gene: ZNF292 (zinc finger protein 292; plus strand). Cytogenetic location: 6q14.3.
Variant type: single nucleotide variant.
Coding change: c.4985T>G on transcript NM_015021.3 (MANE Select); coding-DNA position 4985, T replaced by G.
Protein change: p.Val1662Gly; replaces valine 1662 with glycine.
Molecular consequence: missense variant.
Genome position (GRCh38, 1-based): chr6:87,258,614, T>G. VCF-style: chr6-87258614-T-G. GRCh37 (hg19) VCF-style: chr6-87968332-T-G.
Other names: c.4565T>G, p.Val1522Gly (NM_001351444.2); short protein forms V1522G, V1662G.
Identifiers: ClinVar variation 3048181 (VCV003048181.3), dbSNP rs745384711, ClinGen allele CA3914411.
Genomic context (GRCh38, chr6:87,258,614, plus strand): 5'-ACGCTTCCCAAAACTTGGTAACAAGTGACTTAACAACAATGGGACTCATAGCAAAGAGTG[T>G]TGAAATCCCAACTACTAACCTTCATTCAAATGTAATTCCAACTTGTGAACCTCAGAGTTT-3'
Protein context (NP_055836.1, residues 1652-1672): LTTMGLIAKS[Val1662Gly]EIPTTNLHSN

ClinVar aggregate classification (germline): Uncertain significance. Review status: criteria provided, single submitter (1 of 4 stars). 2 submissions from 2 submitters: Uncertain significance (1). 1 of the submissions does not count toward it. Last evaluated 2024-04-01.

Conditions:
ZNF292-related disorder. Also called: ZNF292-related condition.
Inborn genetic diseases. Identifiers: MedGen C0950123, MeSH D030342.

Allele frequency attached by ClinVar (database versions not stated): ExAC 0.00002; gnomAD 0.00002.
gnomAD v4.1: 21 of 1,613,532 alleles (0.0013%); highest among the groups gnomAD compares: Admixed American, 0.0067%; 1 homozygote.

Submissions (2):

Ambry Genetics
Classification: Uncertain significance for Inborn genetic diseases. Last evaluated: 2024-04-01. Review status: criteria provided, single submitter. Criteria: Ambry Variant Classification Scheme 2023. Collection method: clinical testing. Allele origin: germline.

PreventionGenetics, part of Exact Sciences
Classification: Likely benign for ZNF292-related condition. Last evaluated: 2023-11-30. Review status: no assertion criteria provided. Collection method: clinical testing. Allele origin: germline. Not counted in ClinVar's aggregate classification.
Comment: This variant is classified as likely benign based on ACMG/AMP sequence variant interpretation guidelines (Richards et al. 2015 PMID: 25741868, with internal and published modifications).